The following is an entry in ClinVar:

NM_182931.3(KMT2E):c.610A>G (p.Thr204Ala)

Gene: KMT2E (lysine methyltransferase 2E (inactive); plus strand). Cytogenetic location: 7q22.3.
Variant type: single nucleotide variant.
Coding change: c.610A>G on transcript NM_182931.3 (MANE Select); coding-DNA position 610, A replaced by G.
Protein change: p.Thr204Ala; replaces threonine 204 with alanine.
Molecular consequence: missense variant.
Genome position (GRCh38, 1-based): chr7:105,074,696, A>G. VCF-style: chr7-105074696-A-G. GRCh37 (hg19) VCF-style: chr7-104715143-A-G.
Other names: c.610A>G, p.Thr204Ala (NM_001410908.1, NM_018682.4); short protein forms T204A.
Identifiers: ClinVar variation 4740405 (VCV004740405.1).

ClinVar aggregate classification (germline): Uncertain significance (1 of 4 stars; one submission).

gnomAD v4.1: 1 of 1,603,634 alleles (0.000062%); highest among the groups gnomAD compares: Non-Finnish European, 0.000085%; no homozygotes.

Submission:

Labcorp Genetics (formerly Invitae), Labcorp
Classification: Uncertain significance. Last evaluated: 2025-02-02. Review status: criteria provided, single submitter. Criteria: Invitae Variant Classification Sherloc (09022015). Collection method: clinical testing. Allele origin: germline.
Comment: This sequence change replaces threonine, which is neutral and polar, with alanine, which is neutral and non-polar, at codon 204 of the KMT2E protein (p.Thr204Ala). This variant is not present in population databases (gnomAD no frequency). This variant has not been reported in the literature in individuals affected with KMT2E-related conditions. Invitae Evidence Modeling of protein sequence and biophysical properties (such as structural, functional, and spatial information, amino acid conservation, physicochemical variation, residue mobility, and thermodynamic stability) indicates that this missense variant is not expected to disrupt KMT2E protein function with a negative predictive value of 80%. In summary, the available evidence is currently insufficient to determine the role of this variant in disease. Therefore, it has been classified as a Variant of Uncertain Significance.